The following is an entry in ClinVar:

ClinVar aggregate classification (germline): Benign (1 of 4 stars; one submission).

Conditions:
Sterile multifocal osteomyelitis with periostitis and pustulosis. Also called: CHRONIC RECURRENT MULTIFOCAL OSTEOMYELITIS 2, WITH PERIOSTITIS AND PUSTULOSIS. Identifiers: Orphanet 210115, MedGen C2748507, MONDO:0013021, OMIM 612852.

Allele frequency attached by ClinVar (database versions not stated): 1000 Genomes Project 30x 0.00437; 1000 Genomes Project 0.00479; gnomAD exomes 0.01264; gnomAD 0.01347 and 0.01363; TOPMed 0.01402.

Submissions (5):

Illumina Laboratory Services, Illumina
Classification: Benign for Sterile multifocal osteomyelitis with periostitis and pustulosis. Last evaluated: 2017-04-27. Review status: criteria provided, single submitter. Criteria: ICSL Variant Classification Criteria 13 December 2019. Collection method: clinical testing. Allele origin: germline.
Comment: This variant was observed as part of a predisposition screen in an ostensibly healthy population. A literature search was performed for the gene, cDNA change, and amino acid change (where applicable). Publications were found based on this search. The evidence from the literature, in combination with allele frequency data from public databases where available, was sufficient to rule this variant out of causing disease. Therefore, this variant is classified as benign.

Dr. Peter K. Rogan Lab, Western University
No classification provided (evidence only). Condition: Uterine corpus endometrial carcinoma. Review status: no classification provided. Collection method: in vitro. Allele origin: not applicable. Functional consequence: retained intron. Not counted in ClinVar's aggregate classification.

Dr. Peter K. Rogan Lab, Western University
No classification provided (evidence only). Condition: Cervical cancer. Review status: no classification provided. Collection method: in vitro. Allele origin: not applicable. Functional consequence: retained intron. Not counted in ClinVar's aggregate classification.

Dr. Peter K. Rogan Lab, Western University
No classification provided (evidence only). Condition: Sarcoma. Review status: no classification provided. Collection method: in vitro. Allele origin: not applicable. Functional consequence: retained intron. Not counted in ClinVar's aggregate classification.

Dr. Peter K. Rogan Lab, Western University
No classification provided (evidence only). Condition: Malignant tumor of esophagus. Review status: no classification provided. Collection method: in vitro. Allele origin: not applicable. Functional consequence: retained intron. Not counted in ClinVar's aggregate classification.

Literature cited by the submitters: PubMed 19280228 (cited by Illumina Laboratory Services, Illumina); PubMed 20213597 (cited by Illumina Laboratory Services, Illumina).

NM_173842.3(IL1RN):c.*537G>A

Gene: IL1RN (interleukin 1 receptor antagonist; plus strand). Cytogenetic location: 2q14.1.
Variant type: single nucleotide variant.
Coding change: c.*537G>A on transcript NM_173842.3 (MANE Select); 537 bases downstream of the stop codon, G replaced by A.
Molecular consequence: 3 prime UTR variant.
Genome position (GRCh38, 1-based): chr2:113,133,408, G>A. VCF-style: chr2-113133408-G-A. GRCh37 (hg19) VCF-style: chr2-113890985-G-A.
Other names: NC_000002.11:g.113890985G>A; c.*537G>A (NM_000577.5, NM_001318914.2, NM_001379360.1 and 2 more transcripts).
Identifiers: ClinVar variation 892869 (VCV000892869.5), dbSNP rs41294742, ClinGen allele CA53698567.